The following is an entry in ClinVar:

ClinVar aggregate classification (germline): Uncertain significance. Review status: criteria provided, multiple submitters, no conflicts (2 of 4 stars). 3 submissions from 3 submitters: Uncertain significance (3). Last evaluated 2024-12-09.

Conditions:
Inborn genetic diseases. Identifiers: MedGen C0950123, MeSH D030342.

Allele frequency attached by ClinVar (database versions not stated): ESP Exome Variant Server 0.00008; gnomAD 0.00009 and 0.00010; gnomAD exomes 0.00010 and 0.00019; TOPMed 0.00012; ExAC 0.00022.
gnomAD v4.1: 274 of 1,546,934 alleles (0.018%); highest among the groups gnomAD compares: Non-Finnish European, 0.023%; no homozygotes.

Submissions (3):

Labcorp Genetics (formerly Invitae), Labcorp
Classification: Uncertain significance. Last evaluated: 2024-12-09. Review status: criteria provided, single submitter. Criteria: Invitae Variant Classification Sherloc (09022015). Collection method: clinical testing. Allele origin: germline.
Comment: This sequence change replaces aspartic acid, which is acidic and polar, with glycine, which is neutral and non-polar, at codon 1415 of the KIAA1549 protein (p.Asp1415Gly). This variant is present in population databases (rs374468612, gnomAD 0.02%). This variant has not been reported in the literature in individuals affected with KIAA1549-related conditions. ClinVar contains an entry for this variant (Variation ID: 852731). An algorithm developed to predict the effect of missense changes on protein structure and function (PolyPhen-2) suggests that this variant is likely to be disruptive. In summary, the available evidence is currently insufficient to determine the role of this variant in disease. Therefore, it has been classified as a Variant of Uncertain Significance.

Ambry Genetics
Classification: Uncertain significance for Inborn genetic diseases. Last evaluated: 2024-11-09. Review status: criteria provided, single submitter. Criteria: Ambry Variant Classification Scheme 2023. Collection method: clinical testing. Allele origin: germline.

Blueprint Genetics
Classification: Uncertain significance. Last evaluated: 2024-10-23. Review status: criteria provided, single submitter. Criteria: ACMG Guidelines, 2015. Collection method: clinical testing. Allele origin: germline.

NM_001164665.2(KIAA1549):c.4244A>G (p.Asp1415Gly)

Gene: KIAA1549 (KIAA1549; minus strand). Cytogenetic location: 7q34.
Variant type: single nucleotide variant.
Coding change: c.4244A>G on transcript NM_001164665.2 (MANE Select); coding-DNA position 4244, A replaced by G.
Protein change: p.Asp1415Gly; replaces aspartic acid 1415 with glycine.
Molecular consequence: missense variant.
Genome position (GRCh38, 1-based): chr7:138,879,639, T>C on the plus strand (A>G on the coding strand, the complement: KIAA1549 is on the minus strand). VCF-style: chr7-138879639-T-C. GRCh37 (hg19) VCF-style: chr7-138564385-T-C.
Other names: c.4244A>G, p.Asp1415Gly (NM_020910.3); short protein forms D1415G.
Identifiers: ClinVar variation 852731 (VCV000852731.8), dbSNP rs374468612, ClinGen allele CA4505960.